The following is an entry in ClinVar:

ClinVar aggregate classification (germline): Uncertain significance (1 of 4 stars; one submission).

Conditions:
Hereditary cancer-predisposing syndrome. Also called: Neoplastic Syndromes, Hereditary; Tumor predisposition; Hereditary neoplastic syndrome; Hereditary Cancer Syndrome. Identifiers: Orphanet 140162, MedGen C0027672, MeSH D009386, MONDO:0015356.

Submission:

Ambry Genetics
Classification: Uncertain significance for Hereditary cancer-predisposing syndrome. Last evaluated: 2026-07-06. Review status: criteria provided, single submitter. Criteria: Ambry Variant Classification Scheme 2023. Collection method: clinical testing. Allele origin: germline.
Comment: The p.V569G variant (also known as c.1706T>G), located in coding exon 13 of the APC gene, results from a T to G substitution at nucleotide position 1706. The valine at codon 569 is replaced by glycine, an amino acid with dissimilar properties. This amino acid position is conserved. In addition, in silico predictors for this gene do not accurately predict pathogenicity. Based on the available evidence, the clinical significance of this variant remains unclear.

NM_000038.6(APC):c.1706T>G (p.Val569Gly)

Gene: APC (APC regulator of Wnt signaling pathway; plus strand). Cytogenetic location: 5q22.2.
Variant type: single nucleotide variant.
Coding change: c.1706T>G on transcript NM_000038.6 (MANE Select); coding-DNA position 1706, T replaced by G.
Protein change: p.Val569Gly; replaces valine 569 with glycine.
Molecular consequence: missense variant.
Genome position (GRCh38, 1-based): chr5:112,828,935, T>G. VCF-style: chr5-112828935-T-G. GRCh37 (hg19) VCF-style: chr5-112164632-T-G.
Other names: c.1622T>G, p.Val541Gly (NM_001354899.2); c.1583T>G, p.Val528Gly (NM_001354900.2); c.1529T>G, p.Val510Gly (NM_001354901.2, NM_001407453.1); c.1433T>G, p.Val478Gly (NM_001354902.2); c.1403T>G, p.Val468Gly (NM_001354903.2, NM_001407458.1, NM_001407459.1 and 1 more transcripts); c.1328T>G, p.Val443Gly (NM_001354904.2); c.1226T>G, p.Val409Gly (NM_001354905.2); c.857T>G, p.Val286Gly (NM_001354906.2, NM_001407470.1); and 11 more; short protein forms V185G, V559G, V579G, V597G, V286G, V409G, V478G, V510G.
Identifiers: ClinVar variation 5024906 (VCV005024906.1).